The following is an entry in ClinVar:

ClinVar aggregate classification (germline): Uncertain significance (1 of 4 stars; one submission).

Allele frequency attached by ClinVar (database versions not stated): gnomAD exomes below 0.00001.
gnomAD v4.1: 2 of 1,596,784 alleles (0.00013%); highest among the groups gnomAD compares: Admixed American, 0.0017%; no homozygotes.

Submission:

Labcorp Genetics (formerly Invitae), Labcorp
Classification: Uncertain significance. Last evaluated: 2023-11-27. Review status: criteria provided, single submitter. Criteria: Invitae Variant Classification Sherloc (09022015). Collection method: clinical testing. Allele origin: germline.
Comment: This sequence change replaces glutamic acid, which is acidic and polar, with glycine, which is neutral and non-polar, at codon 48 of the PLOD2 protein (p.Glu48Gly). This variant is not present in population databases (gnomAD no frequency). This variant has not been reported in the literature in individuals affected with PLOD2-related conditions. ClinVar contains an entry for this variant (Variation ID: 1918435). An algorithm developed to predict the effect of missense changes on protein structure and function (PolyPhen-2) suggests that this variant is likely to be disruptive. In summary, the available evidence is currently insufficient to determine the role of this variant in disease. Therefore, it has been classified as a Variant of Uncertain Significance.

NM_182943.3(PLOD2):c.143A>G (p.Glu48Gly)

Gene: PLOD2 (procollagen-lysine,2-oxoglutarate 5-dioxygenase 2; minus strand). Cytogenetic location: 3q24.
Variant type: single nucleotide variant.
Coding change: c.143A>G on transcript NM_182943.3 (MANE Select); coding-DNA position 143, A replaced by G.
Protein change: p.Glu48Gly; replaces glutamic acid 48 with glycine.
Molecular consequence: missense variant.
Genome position (GRCh38, 1-based): chr3:146,124,196, T>C on the plus strand (A>G on the coding strand, the complement: PLOD2 is on the minus strand). VCF-style: chr3-146124196-T-C. GRCh37 (hg19) VCF-style: chr3-145841983-T-C.
Other names: c.143A>G, p.Glu48Gly (NM_000935.3); short protein forms E48G.
Identifiers: ClinVar variation 1918435 (VCV001918435.5), dbSNP rs2030397394, ClinGen allele CA354887270.